The following is an entry in ClinVar:

NM_004465.2(FGF10):c.171CTC[1] (p.Ser59del)

Gene: FGF10 (fibroblast growth factor 10; minus strand). Cytogenetic location: 5p12.
Variant type: Microsatellite.
Coding change: c.171CTC[1] on transcript NM_004465.2 (MANE Select); one copy of the 3-base unit CTC starting at c.171; the reference has two copies in a row; one copy, 3 bases deleted.
Protein change: p.Ser59del; deletes serine 59.
Molecular consequence: inframe deletion.
Genome position (GRCh38, 1-based): chr5:44,388,507-44,388,509, GAG deleted on the plus strand (CTC on the coding strand, the reverse complement: FGF10 is on the minus strand); deleting any 3 consecutive bases within chr5:44,388,507-44,388,512 gives the same sequence; the position shown is the placement nearest the transcript's 3' end. VCF-style (leftmost placement, unchanged base first): chr5-44388506-AGAG-A. GRCh37 (hg19) VCF-style: chr5-44388608-AGAG-A.
Other names: short protein forms S59del.
Identifiers: ClinVar variation 4697905 (VCV004697905.1).

ClinVar aggregate classification (germline): Uncertain significance (1 of 4 stars; one submission).

Submission:

Labcorp Genetics (formerly Invitae), Labcorp
Classification: Uncertain significance. Last evaluated: 2024-03-09. Review status: criteria provided, single submitter. Criteria: Invitae Variant Classification Sherloc (09022015). Collection method: clinical testing. Allele origin: germline.
Comment: This variant, c.174_176del, results in the deletion of 1 amino acid(s) of the FGF10 protein (p.Ser59del), but otherwise preserves the integrity of the reading frame. This variant is present in population databases (no rsID available, gnomAD 0.01%). This variant has not been reported in the literature in individuals affected with FGF10-related conditions. Experimental studies and prediction algorithms are not available or were not evaluated, and the functional significance of this variant is currently unknown. In summary, the available evidence is currently insufficient to determine the role of this variant in disease. Therefore, it has been classified as a Variant of Uncertain Significance.